The following is an entry in ClinVar:

NM_001267550.2(TTN):c.23085G>T (p.Ala7695=)

Gene: TTN (titin; minus strand). Cytogenetic location: 2q31.2.
Variant type: single nucleotide variant.
Coding change: c.23085G>T on transcript NM_001267550.2 (MANE Select); coding-DNA position 23085, G replaced by T.
Protein change: p.Ala7695=; no amino-acid change (alanine 7695 retained).
Molecular consequence: synonymous variant. On other transcripts: intron variant (3).
Genome position (GRCh38, 1-based): chr2:178,720,934, C>A on the plus strand (G>T on the coding strand, the complement: TTN is on the minus strand). VCF-style: chr2-178720934-C-A. GRCh37 (hg19) VCF-style: chr2-179585661-C-A.
Other names: c.22134G>T, p.Ala7378= (NM_001256850.1); c.19353G>T, p.Ala6451= (NM_133378.4); c.13282+17148G>T (NM_003319.4); c.13858+17148G>T (NM_133437.4); c.13657+17148G>T (NM_133432.3).
Identifiers: ClinVar variation 388981 (VCV000388981.31), dbSNP rs768936623, ClinGen allele CA2000721.

ClinVar aggregate classification (germline): Likely benign. Review status: criteria provided, multiple submitters, no conflicts (2 of 4 stars). 3 submissions from 3 submitters: Likely benign (3). Last evaluated 2023-11-25.

Conditions:
Autosomal recessive limb-girdle muscular dystrophy type 2J (LGMDR10). Also called: Limb-girdle muscular dystrophy, type 2J; MUSCULAR DYSTROPHY, LIMB-GIRDLE, AUTOSOMAL RECESSIVE 10. Identifiers: Orphanet 140922, MedGen C1837342, MONDO:0012127, OMIM 608807.
Dilated cardiomyopathy 1G (CMD1G). Identifiers: Orphanet 154, MedGen C1858763, MONDO:0011400, OMIM 604145.

gnomAD v4.1: 14 of 1,593,728 alleles (0.00088%); highest among the groups gnomAD compares: Non-Finnish European, 0.0012%; no homozygotes.

Submissions (3):

Labcorp Genetics (formerly Invitae), Labcorp
Classification: Likely benign for Dilated cardiomyopathy 1G; Autosomal recessive limb-girdle muscular dystrophy type 2J. Last evaluated: 2023-11-25. Review status: criteria provided, single submitter. Criteria: Invitae Variant Classification Sherloc (09022015). Collection method: clinical testing. Allele origin: germline.

CeGaT Center for Human Genetics Tuebingen
Classification: Likely benign. Last evaluated: 2022-03-01. Review status: criteria provided, single submitter. Criteria: CeGaT Center For Human Genetics Tuebingen Variant Classification Criteria Version 2. Collection method: clinical testing. Allele origin: germline. Affected: yes. Observed: 1 variant allele.
Comment: TTN: BP4, BP7

GeneDx
Classification: Likely benign. Last evaluated: 2016-09-01. Review status: criteria provided, single submitter. Criteria: GeneDx Variant Classification (06012015). Collection method: clinical testing. Allele origin: germline. Affected: yes.
Comment: This variant is considered likely benign or benign based on one or more of the following criteria: it is a conservative change, it occurs at a poorly conserved position in the protein, it is predicted to be benign by multiple in silico algorithms, and/or has population frequency not consistent with disease.